The following is an entry in ClinVar:

ClinVar aggregate classification (germline): Uncertain significance. Review status: criteria provided, multiple submitters, no conflicts (2 of 4 stars). 2 submissions from 2 submitters: Uncertain significance (2). Last evaluated 2023-10-03.

gnomAD v4.1: 4 of 1,613,630 alleles (0.00025%); highest among the groups gnomAD compares: Admixed American, 0.0017%; no homozygotes.

Submissions (2):

Labcorp Genetics (formerly Invitae), Labcorp
Classification: Uncertain significance. Last evaluated: 2023-10-03. Review status: criteria provided, single submitter. Criteria: Invitae Variant Classification Sherloc (09022015). Collection method: clinical testing. Allele origin: germline.
Comment: This sequence change replaces valine, which is neutral and non-polar, with leucine, which is neutral and non-polar, at codon 1433 of the LRP5 protein (p.Val1433Leu). This variant is not present in population databases (gnomAD no frequency). This variant has not been reported in the literature in individuals affected with LRP5-related conditions. ClinVar contains an entry for this variant (Variation ID: 1019414). Advanced modeling of protein sequence and biophysical properties (such as structural, functional, and spatial information, amino acid conservation, physicochemical variation, residue mobility, and thermodynamic stability) performed at Invitae indicates that this missense variant is not expected to disrupt LRP5 protein function. In summary, the available evidence is currently insufficient to determine the role of this variant in disease. Therefore, it has been classified as a Variant of Uncertain Significance.

Blueprint Genetics
Classification: Uncertain significance. Last evaluated: 2022-10-27. Review status: criteria provided, single submitter. Criteria: ACMG Guidelines, 2015. Collection method: clinical testing. Allele origin: germline.

NM_002335.4(LRP5):c.4297G>C (p.Val1433Leu)

Gene: LRP5 (LDL receptor related protein 5; plus strand). Cytogenetic location: 11q13.2.
Variant type: single nucleotide variant.
Coding change: c.4297G>C on transcript NM_002335.4 (MANE Select); coding-DNA position 4297, G replaced by C.
Protein change: p.Val1433Leu; replaces valine 1433 with leucine.
Molecular consequence: missense variant.
Genome position (GRCh38, 1-based): chr11:68,438,631, G>C. VCF-style: chr11-68438631-G-C. GRCh37 (hg19) VCF-style: chr11-68206099-G-C.
Other names: c.2554G>C, p.Val852Leu (NM_001291902.2); short protein forms V1433L, V852L.
Identifiers: ClinVar variation 1019414 (VCV001019414.7), dbSNP rs199871539, ClinGen allele CA381615199.